The following is an entry in ClinVar:

ClinVar aggregate classification (germline): Benign (1 of 4 stars; one submission).

Allele frequency attached by ClinVar (database versions not stated): gnomAD 0.02769 and 0.02959; 1000 Genomes Project 0.03135; TOPMed 0.03138; 1000 Genomes Project 30x 0.03295.
gnomAD v4.1: 4,174 of 152,262 alleles (2.7%); highest among the groups gnomAD compares: African/African-American, 9.1%; 193 homozygotes.

Submission:

GeneDx
Classification: Benign. Last evaluated: 2018-06-14. Review status: criteria provided, single submitter. Criteria: GeneDx Variant Classification (06012015). Collection method: clinical testing. Allele origin: germline. Affected: yes.
Comment: This variant is considered likely benign or benign based on one or more of the following criteria: it is a conservative change, it occurs at a poorly conserved position in the protein, it is predicted to be benign by multiple in silico algorithms, and/or has population frequency not consistent with disease.

NM_033360.4(KRAS):c.-11-273A>G

Gene: KRAS (KRAS proto-oncogene, GTPase; minus strand). Cytogenetic location: 12p12.1.
Variant type: single nucleotide variant.
Coding change: c.-11-273A>G on transcript NM_033360.4 (MANE Plus Clinical); 273 bases into the intron before 11 bases upstream of the start codon, A replaced by G.
Molecular consequence: intron variant.
Genome position (GRCh38, 1-based): chr12:25,245,668, T>C on the plus strand (A>G on the coding strand, the complement: KRAS is on the minus strand). VCF-style: chr12-25245668-T-C. GRCh37 (hg19) VCF-style: chr12-25398602-T-C.
Other names: c.-11-273A>G (LRG_344t2, LRG_344t1, NM_001369787.1 and 2 more transcripts).
Identifiers: ClinVar variation 561924 (VCV000561924.1), dbSNP rs12305108, ClinGen allele CA234237156.
Genomic context (GRCh38, chr12:25,245,668, plus strand): 5'-TCGACGCTTAAGAAAAATGCATAAATGCTACATAGACAGTTCTTTTATCTTAAAATCAAG[T>C]TGTTCTATCTAAATAGCCAGACTGCTGTTCTGCGGCGGCTAAAGGCTCTCAAAGGATCAT-3'